The following is an entry in ClinVar:

ClinVar aggregate classification (germline): Uncertain significance. Review status: criteria provided, multiple submitters, no conflicts (2 of 4 stars). 2 submissions from 2 submitters: Uncertain significance (2). Last evaluated 2024-11-25.

Submissions (2):

Ambry Genetics
Classification: Uncertain significance. Last evaluated: 2024-11-25. Review status: criteria provided, single submitter. Criteria: Ambry Variant Classification Scheme 2023. Collection method: clinical testing. Allele origin: germline.

GeneDx
Classification: Uncertain significance. Last evaluated: 2024-09-05. Review status: criteria provided, single submitter. Criteria: GeneDx Variant Classification Process June 2021. Collection method: clinical testing. Allele origin: germline. Affected: yes.
Comment: Not observed at significant frequency in large population cohorts (gnomAD); In silico analysis indicates that this missense variant does not alter protein structure/function; Has not been previously published as pathogenic or benign to our knowledge

NM_018319.4(TDP1):c.430G>A (p.Glu144Lys)

Genes: TDP1 (tyrosyl-DNA phosphodiesterase 1; plus strand), LOC126862019 (CDK7 strongly-dependent group 2 enhancer GRCh37_chr14:90429220-90430419; plus strand). Cytogenetic location: 14q32.11.
Variant type: single nucleotide variant.
Coding change: c.430G>A on transcript NM_018319.4 (MANE Select); coding-DNA position 430, G replaced by A.
Protein change: p.Glu144Lys; replaces glutamic acid 144 with lysine.
Molecular consequence: missense variant.
Genome position (GRCh38, 1-based): chr14:89,963,544, G>A. VCF-style: chr14-89963544-G-A. GRCh37 (hg19) VCF-style: chr14-90429888-G-A.
Other names: c.430G>A, p.Glu144Lys (NM_001008744.2, NM_001330205.2); short protein forms E144K.
Identifiers: ClinVar variation 3454398 (VCV003454398.2).